The following is an entry in ClinVar:

ClinVar aggregate classification (germline): Uncertain significance. Review status: criteria provided, multiple submitters, no conflicts (2 of 4 stars). 3 submissions from 3 submitters: Uncertain significance (3). Last evaluated 2025-10-07.

Conditions:
Inborn genetic diseases. Identifiers: MedGen C0950123, MeSH D030342.
Congenital myasthenic syndrome 5. Identifiers: Orphanet 590, MedGen C1864233, MONDO:0011281, OMIM 603034.

Allele frequency attached by ClinVar (database versions not stated): gnomAD exomes 0.00001.
gnomAD v4.1: 3 of 1,614,160 alleles (0.00019%); highest among the groups gnomAD compares: Admixed American, 0.005%; no homozygotes.

Submissions (3):

Ambry Genetics
Classification: Uncertain significance for Inborn genetic diseases. Last evaluated: 2025-10-07. Review status: criteria provided, single submitter. Criteria: Ambry Variant Classification Scheme 2023. Collection method: clinical testing. Allele origin: germline.

Labcorp Genetics (formerly Invitae), Labcorp
Classification: Uncertain significance for Congenital myasthenic syndrome 5. Last evaluated: 2022-04-29. Review status: criteria provided, single submitter. Criteria: Invitae Variant Classification Sherloc (09022015). Collection method: clinical testing. Allele origin: germline.
Comment: In summary, the available evidence is currently insufficient to determine the role of this variant in disease. Therefore, it has been classified as a Variant of Uncertain Significance. Algorithms developed to predict the effect of missense changes on protein structure and function are either unavailable or do not agree on the potential impact of this missense change (SIFT: "Deleterious"; PolyPhen-2: "Not Available"; Align-GVGD: "Class C0"). This variant has not been reported in the literature in individuals affected with COLQ-related conditions. This variant is present in population databases (no rsID available, gnomAD 0.009%). This sequence change replaces proline, which is neutral and non-polar, with alanine, which is neutral and non-polar, at codon 128 of the COLQ protein (p.Pro128Ala).

Revvity Omics, Revvity
Classification: Uncertain significance for Congenital myasthenic syndrome 5. Last evaluated: 2019-07-09. Review status: criteria provided, single submitter. Criteria: ACMG Guidelines, 2015. Collection method: clinical testing. Allele origin: germline.

NM_005677.4(COLQ):c.382C>G (p.Pro128Ala)

Gene: COLQ (collagen like tail subunit of asymmetric acetylcholinesterase; minus strand). Cytogenetic location: 3p25.1.
Variant type: single nucleotide variant.
Coding change: c.382C>G on transcript NM_005677.4 (MANE Select); coding-DNA position 382, C replaced by G.
Protein change: p.Pro128Ala; replaces proline 128 with alanine.
Molecular consequence: missense variant.
Genome position (GRCh38, 1-based): chr3:15,478,988, G>C on the plus strand (C>G on the coding strand, the complement: COLQ is on the minus strand). VCF-style: chr3-15478988-G-C. GRCh37 (hg19) VCF-style: chr3-15520495-G-C.
Other names: c.382C>G (NM_005677.3); c.352C>G, p.Pro118Ala (NM_080538.2); c.280C>G, p.Pro94Ala (NM_080539.4); short protein forms P118A, P94A, P128A.
Identifiers: ClinVar variation 1986219 (VCV001986219.8), dbSNP rs1230299116, ClinGen allele CA351599539.